The following is an entry in ClinVar:

NM_001014987.2(LAT):c.524C>T (p.Pro175Leu)

Gene: LAT (linker for activation of T cells; plus strand). Cytogenetic location: 16p11.2.
Variant type: single nucleotide variant.
Coding change: c.524C>T on transcript NM_001014987.2 (MANE Select); coding-DNA position 524, C replaced by T.
Protein change: p.Pro175Leu; replaces proline 175 with leucine.
Molecular consequence: missense variant.
Genome position (GRCh38, 1-based): chr16:28,989,557, C>T. VCF-style: chr16-28989557-C-T. GRCh37 (hg19) VCF-style: chr16-29000878-C-T.
Other names: c.521C>T, p.Pro174Leu (NM_001014988.2); c.632C>T, p.Pro211Leu (NM_001014989.2); c.611C>T, p.Pro204Leu (NM_014387.4); c.632C>T (NM_001014989.1); short protein forms P174L, P175L, P211L, P204L.
Identifiers: ClinVar variation 2967794 (VCV002967794.2), dbSNP rs375804327, ClinGen allele CA7990056.

ClinVar aggregate classification (germline): Uncertain significance. Review status: criteria provided, multiple submitters, no conflicts (2 of 4 stars). 2 submissions from 2 submitters: Uncertain significance (2). Last evaluated 2025-02-19.

Allele frequency attached by ClinVar (database versions not stated): gnomAD exomes 0.00001; TOPMed 0.00002; ExAC 0.00003; ESP Exome Variant Server 0.00015.

Submissions (2):

Ambry Genetics
Classification: Uncertain significance. Last evaluated: 2025-02-19. Review status: criteria provided, single submitter. Criteria: Ambry Variant Classification Scheme 2023. Collection method: clinical testing. Allele origin: germline.

Labcorp Genetics (formerly Invitae), Labcorp
Classification: Uncertain significance. Last evaluated: 2023-10-23. Review status: criteria provided, single submitter. Criteria: Invitae Variant Classification Sherloc (09022015). Collection method: clinical testing. Allele origin: germline.
Comment: This sequence change replaces proline, which is neutral and non-polar, with leucine, which is neutral and non-polar, at codon 175 of the LAT protein (p.Pro175Leu). This variant is present in population databases (rs375804327, gnomAD 0.01%). This variant has not been reported in the literature in individuals affected with LAT-related conditions. Algorithms developed to predict the effect of missense changes on protein structure and function output the following: SIFT: "Not Available"; PolyPhen-2: "Probably Damaging"; Align-GVGD: "Not Available". The leucine amino acid residue is found in multiple mammalian species, which suggests that this missense change does not adversely affect protein function. In summary, the available evidence is currently insufficient to determine the role of this variant in disease. Therefore, it has been classified as a Variant of Uncertain Significance.